The following is an entry in ClinVar:

NM_000273.3(GPR143):c.325G>A (p.Glu109Lys)

Gene: GPR143 (G protein-coupled receptor 143; minus strand). Cytogenetic location: Xp22.2.
Variant type: single nucleotide variant.
Coding change: c.325G>A on transcript NM_000273.3 (MANE Select); coding-DNA position 325, G replaced by A.
Protein change: p.Glu109Lys; replaces glutamic acid 109 with lysine.
Molecular consequence: missense variant.
Genome position (GRCh38, 1-based): chrX:9,760,752, C>T on the plus strand (G>A on the coding strand, the complement: GPR143 is on the minus strand). VCF-style: chrX-9760752-C-T. GRCh37 (hg19) VCF-style: chrX-9728792-C-T.
Other names: short protein forms E109K.
Identifiers: ClinVar variation 1363220 (VCV001363220.6), dbSNP rs780617900, ClinGen allele CA10345060.

ClinVar aggregate classification (germline): Uncertain significance (1 of 4 stars; one submission).

Allele frequency attached by ClinVar (database versions not stated): gnomAD exomes 0.00001 and 0.00004; TOPMed 0.00001; gnomAD 0.00003; ExAC 0.00010.
gnomAD v4.1: 18 of 1,196,723 alleles (0.0015%); highest among the groups gnomAD compares: Admixed American, 0.0089%; no homozygotes.

Submission:

Labcorp Genetics (formerly Invitae), Labcorp
Classification: Uncertain significance. Last evaluated: 2024-05-29. Review status: criteria provided, single submitter. Criteria: Invitae Variant Classification Sherloc (09022015). Collection method: clinical testing. Allele origin: germline.
Comment: This sequence change replaces glutamic acid, which is acidic and polar, with lysine, which is basic and polar, at codon 109 of the GPR143 protein (p.Glu109Lys). This variant is present in population databases (rs780617900, gnomAD 0.01%). This variant has not been reported in the literature in individuals affected with GPR143-related conditions. ClinVar contains an entry for this variant (Variation ID: 1363220). Advanced modeling of protein sequence and biophysical properties (such as structural, functional, and spatial information, amino acid conservation, physicochemical variation, residue mobility, and thermodynamic stability) performed at Invitae indicates that this missense variant is not expected to disrupt GPR143 protein function with a negative predictive value of 80%. In summary, the available evidence is currently insufficient to determine the role of this variant in disease. Therefore, it has been classified as a Variant of Uncertain Significance.